The following is an entry in ClinVar:

NM_004260.4(RECQL4):c.3461A>T (p.Lys1154Met)

Gene: RECQL4 (RecQ like helicase 4; minus strand). Cytogenetic location: 8q24.3.
Variant type: single nucleotide variant.
Coding change: c.3461A>T on transcript NM_004260.4 (MANE Select); coding-DNA position 3461, A replaced by T.
Protein change: p.Lys1154Met; replaces lysine 1154 with methionine.
Molecular consequence: missense variant. On other transcripts: non-coding transcript variant (3).
Genome position (GRCh38, 1-based): chr8:144,511,722, T>A on the plus strand (A>T on the coding strand, the complement: RECQL4 is on the minus strand). VCF-style: chr8-144511722-T-A. GRCh37 (hg19) VCF-style: chr8-145737105-T-A.
Other names: c.3167A>T, p.Lys1056Met (NM_001413017.1); c.3263A>T, p.Lys1088Met (NM_001413018.1); c.3536A>T, p.Lys1179Met (NM_001413019.1); c.3365A>T, p.Lys1122Met (NM_001413020.1); c.2390A>T, p.Lys797Met (NM_001413021.1, NM_001413022.1, NM_001413024.1 and 4 more transcripts); c.2465A>T, p.Lys822Met (NM_001413023.1); c.3332A>T, p.Lys1111Met (NM_001413025.1); c.2324A>T, p.Lys775Met (NM_001413027.1, NM_001413030.1, NM_001413032.1); and 9 more; short protein forms K1088M, K1111M, K1122M, K1154M, K787M, K797M, K1037M, K1056M.
Identifiers: ClinVar variation 3788055 (VCV003788055.1).
Genomic context (GRCh38, chr8:144,511,722, plus strand): 5'-GGGGCCTCCCAGGCCTCACCGATGCCGTGGAAGATGCGGGCCACAGCCCTGCTGGAGAAC[T>A]TCTCCTCTGGCCTCAGGGACAGGAACTGGCGGATGTCGCAGCGGACCTGGTCCTCCCAAT-3'
Protein context (NP_004251.4, residues 1144-1164): RQFLSLRPEE[Lys1154Met]FSSRAVARIF

ClinVar aggregate classification (germline): Uncertain significance (1 of 4 stars; one submission).

Conditions:
Inborn genetic diseases. Identifiers: MedGen C0950123, MeSH D030342.

Submission:

Ambry Genetics
Classification: Uncertain significance for Inborn genetic diseases. Last evaluated: 2025-02-23. Review status: criteria provided, single submitter. Criteria: Ambry Variant Classification Scheme 2023. Collection method: clinical testing. Allele origin: germline.
Comment: The p.K1154M variant (also known as c.3461A>T), located in coding exon 20 of the RECQL4 gene, results from an A to T substitution at nucleotide position 3461. The lysine at codon 1154 is replaced by methionine, an amino acid with similar properties. This amino acid position is conserved. In addition, this alteration is predicted to be deleterious by in silico analysis. Based on the available evidence, the clinical significance of this variant remains unclear.